The following is an entry in ClinVar:

NM_001128148.3(TFRC):c.1795A>G (p.Ile599Val)

Gene: TFRC (transferrin receptor; minus strand). Cytogenetic location: 3q29.
Variant type: single nucleotide variant.
Coding change: c.1795A>G on transcript NM_001128148.3 (MANE Select); coding-DNA position 1795, A replaced by G.
Protein change: p.Ile599Val; replaces isoleucine 599 with valine.
Molecular consequence: missense variant.
Genome position (GRCh38, 1-based): chr3:196,055,184, T>C on the plus strand (A>G on the coding strand, the complement: TFRC is on the minus strand). VCF-style: chr3-196055184-T-C. GRCh37 (hg19) VCF-style: chr3-195782055-T-C.
Other names: c.1552A>G, p.Ile518Val (NM_001313965.2); c.949A>G, p.Ile317Val (NM_001313966.2); c.1795A>G, p.Ile599Val (NM_003234.4); short protein forms I317V, I518V, I599V.
Identifiers: ClinVar variation 1715145 (VCV001715145.5), dbSNP rs377249426, ClinGen allele CA2777782.
Genomic context (GRCh38, chr3:196,055,184, plus strand): 5'-GCAGTTGGCTGTTGTACCTCTCATAGTCCAGGTTCAATTCAACATCATGGGTTAGTTTAA[T>C]CACGAACTGACCAGCGACCTCTGCAGCTGCTCGTGCCACTTTGTTCAACTCAGGAATCCT-3'
Protein context (NP_001121620.1, residues 589-609): AAAEVAGQFV[Ile599Val]KLTHDVELNL

ClinVar aggregate classification (germline): Uncertain significance (1 of 4 stars; one submission).

Allele frequency attached by ClinVar (database versions not stated): gnomAD exomes below 0.00001; TOPMed 0.00001; ExAC 0.00002; ESP Exome Variant Server 0.00008.
gnomAD v4.1: 2 of 1,614,236 alleles (0.00012%); highest among the groups gnomAD compares: Non-Finnish European, 0.00017%; no homozygotes.

Submission:

Labcorp Genetics (formerly Invitae), Labcorp
Classification: Uncertain significance. Last evaluated: 2022-08-05. Review status: criteria provided, single submitter. Criteria: Invitae Variant Classification Sherloc (09022015). Collection method: clinical testing. Allele origin: germline.
Comment: Algorithms developed to predict the effect of missense changes on protein structure and function (SIFT, PolyPhen-2, Align-GVGD) all suggest that this variant is likely to be tolerated. This variant has not been reported in the literature in individuals affected with TFRC-related conditions. This variant is present in population databases (rs377249426, gnomAD 0.006%). This sequence change replaces isoleucine, which is neutral and non-polar, with valine, which is neutral and non-polar, at codon 599 of the TFRC protein (p.Ile599Val). In summary, the available evidence is currently insufficient to determine the role of this variant in disease. Therefore, it has been classified as a Variant of Uncertain Significance.